The following is an entry in ClinVar:

ClinVar aggregate classification (germline): Uncertain significance (1 of 4 stars; one submission).

Conditions:
X-linked agammaglobulinemia with growth hormone deficiency (IGHD3). Also called: AGAMMAGLOBULINEMIA AND ISOLATED GROWTH HORMONE DEFICIENCY, X-LINKED; FLEISHER SYNDROME; Isolated growth hormone deficiency type 3; Growth hormone deficiency with hypogammaglobulinemia; ISOLATED GROWTH HORMONE DEFICIENCY, TYPE III, WITH AGAMMAGLOBULINEMIA; HYPOGAMMAGLOBULINEMIA AND ISOLATED GROWTH HORMONE DEFICIENCY, X-LINKED. Identifiers: Orphanet 231692, Orphanet 631, MedGen C0472813, MONDO:0010615, OMIM 307200.

Submission:

Labcorp Genetics (formerly Invitae), Labcorp
Classification: Uncertain significance for X-linked agammaglobulinemia with growth hormone deficiency. Last evaluated: 2024-07-01. Review status: criteria provided, single submitter. Criteria: Invitae Variant Classification Sherloc (09022015). Collection method: clinical testing. Allele origin: germline.
Comment: This sequence change replaces serine, which is neutral and polar, with asparagine, which is neutral and polar, at codon 179 of the BTK protein (p.Ser179Asn). This variant is not present in population databases (gnomAD no frequency). This variant has not been reported in the literature in individuals affected with BTK-related conditions. Advanced modeling of protein sequence and biophysical properties (such as structural, functional, and spatial information, amino acid conservation, physicochemical variation, residue mobility, and thermodynamic stability) performed at Invitae indicates that this missense variant is not expected to disrupt BTK protein function with a negative predictive value of 95%. In summary, the available evidence is currently insufficient to determine the role of this variant in disease. Therefore, it has been classified as a Variant of Uncertain Significance.

NM_000061.3(BTK):c.536G>A (p.Ser179Asn)

Gene: BTK (Bruton tyrosine kinase; minus strand). Cytogenetic location: Xq22.1.
Variant type: single nucleotide variant.
Coding change: c.536G>A on transcript NM_000061.3 (MANE Select); coding-DNA position 536, G replaced by A.
Protein change: p.Ser179Asn; replaces serine 179 with asparagine.
Molecular consequence: missense variant.
Genome position (GRCh38, 1-based): chrX:101,362,225, C>T on the plus strand (G>A on the coding strand, the complement: BTK is on the minus strand). VCF-style: chrX-101362225-C-T. GRCh37 (hg19) VCF-style: chrX-100617213-C-T.
Other names: c.638G>A, p.Ser213Asn (NM_001287344.2); c.536G>A, p.Ser179Asn (NM_001287345.2); short protein forms S213N, S179N.
Identifiers: ClinVar variation 3636308 (VCV003636308.2).